The following is an entry in ClinVar:

ClinVar aggregate classification (germline): Conflicting classifications of pathogenicity. Review status: criteria provided, conflicting classifications (1 of 4 stars). 2 submissions from 2 submitters: Likely pathogenic (1); Likely benign (1). Last evaluated 2023-10-05.

Allele frequency attached by ClinVar (database versions not stated): TOPMed below 0.00001.

Submissions (2):

GeneDx
Classification: Likely pathogenic. Last evaluated: 2023-10-05. Review status: criteria provided, single submitter. Criteria: GeneDx Variant Classification Process June 2021. Collection method: clinical testing. Allele origin: germline. Affected: yes.
Comment: Not observed at significant frequency in large population cohorts (gnomAD); In silico analysis supports that this variant does not alter splicing; Has not been previously published as pathogenic or benign to our knowledge

Labcorp Genetics (formerly Invitae), Labcorp
Classification: Likely benign. Last evaluated: 2023-05-13. Review status: criteria provided, single submitter. Criteria: Invitae Variant Classification Sherloc (09022015). Collection method: clinical testing. Allele origin: germline.

NM_000213.5(ITGB4):c.3977-30_3977-17del

Genes: ITGB4 (integrin subunit beta 4; plus strand), GALK1 (galactokinase 1; minus strand). Cytogenetic location: 17q25.1.
Variant type: Deletion.
Coding change: c.3977-30_3977-17del on transcript NM_000213.5 (MANE Select); 30 bases into the intron before coding-DNA position 3977 through 17 bases into the intron before coding-DNA position 3977, 14 bases deleted (AGGGCCCTGGCTCA).
Molecular consequence: intron variant.
Genome position (GRCh38, 1-based): chr17:75,752,416-75,752,429, AGGGCCCTGGCTCA deleted. VCF-style (leftmost placement, unchanged base first): chr17-75752415-CAGGGCCCTGGCTCA-C. GRCh37 (hg19) VCF-style: chr17-73748496-CAGGGCCCTGGCTCA-C.
Other names: c.3977-30_3977-17del (NM_001005619.2, NM_001005731.3, NM_001438834.1 and 1 more transcripts); c.*23-692_*23-679del (NM_001381985.1).
Identifiers: ClinVar variation 421955 (VCV000421955.7), dbSNP rs1064795468, ClinGen allele CA16620606.